The following is an entry in ClinVar:

NM_203447.4(DOCK8):c.2351G>T (p.Arg784Leu)

Gene: DOCK8 (dedicator of cytokinesis 8; plus strand). Cytogenetic location: 9p24.3.
Variant type: single nucleotide variant.
Coding change: c.2351G>T on transcript NM_203447.4 (MANE Select); coding-DNA position 2351, G replaced by T.
Protein change: p.Arg784Leu; replaces arginine 784 with leucine.
Molecular consequence: missense variant.
Genome position (GRCh38, 1-based): chr9:377,122, G>T. VCF-style: chr9-377122-G-T. GRCh37 (hg19) VCF-style: chr9-377122-G-T.
Other names: c.2147G>T, p.Arg716Leu (NM_001190458.2, NM_001193536.2); short protein forms R784L, R716L.
Identifiers: ClinVar variation 4746471 (VCV004746471.1).
Genomic context (GRCh38, chr9:377,122, plus strand): 5'-TCAGCGAGATGGCGCTGGAGCATGAGCTGAAGCTCAGCATCATCTGCCTGAACTCCTCCC[G>T]CCTGGAGCCGCTCGTGCTCTTCCTGCACCTGGTGCTGGACAAGCTCTTCCAGCTGTCCGT-3'
Protein context (NP_982272.2, residues 774-794): KLSIICLNSS[Arg784Leu]LEPLVLFLHL

ClinVar aggregate classification (germline): Uncertain significance (1 of 4 stars; one submission).

Conditions:
Combined immunodeficiency due to DOCK8 deficiency (HIES2). Also called: HIES autosomal recessive; DOCK8 Deficiency; HYPER-IgE SYNDROME 2, AUTOSOMAL RECESSIVE, WITH RECURRENT INFECTIONS; Hyper-IgE recurrent infection syndrome, autosomal recessive; HYPER-IgE RECURRENT INFECTION SYNDROME 2, AUTOSOMAL RECESSIVE. Identifiers: Orphanet 217390, MedGen C4722305, MONDO:0009478, OMIM 243700.

gnomAD v4.1: 1 of 1,610,112 alleles (0.000062%); no homozygotes.

Submission:

Labcorp Genetics (formerly Invitae), Labcorp
Classification: Uncertain significance for Combined immunodeficiency due to DOCK8 deficiency. Last evaluated: 2026-01-11. Review status: criteria provided, single submitter. Criteria: Invitae Variant Classification Sherloc (09022015). Collection method: clinical testing. Allele origin: germline.
Comment: This sequence change replaces arginine, which is basic and polar, with leucine, which is neutral and non-polar, at codon 784 of the DOCK8 protein (p.Arg784Leu). This variant is not present in population databases (gnomAD no frequency). This variant has not been reported in the literature in individuals affected with DOCK8-related conditions. Invitae Evidence Modeling of protein sequence and biophysical properties (such as structural, functional, and spatial information, amino acid conservation, physicochemical variation, residue mobility, and thermodynamic stability) indicates that this missense variant is not expected to disrupt DOCK8 protein function with a negative predictive value of 80%. In summary, the available evidence is currently insufficient to determine the role of this variant in disease. Therefore, it has been classified as a Variant of Uncertain Significance.